The following is an entry in ClinVar:

ClinVar aggregate classification (germline): Likely benign. Review status: criteria provided, multiple submitters, no conflicts (2 of 4 stars). 2 submissions from 2 submitters: Likely benign (2). Last evaluated 2024-10-08.

Conditions:
Familial cancer of breast. Also called: hereditary breast carcinoma; BREAST CANCER, FAMILIAL; Hereditary breast cancer. Identifiers: Orphanet 227535, MedGen C0346153, MONDO:0016419, OMIM 114480. Disease mechanism: loss of function.

Submissions (2):

Myriad Genetics, Inc.
Classification: Likely benign for Familial cancer of breast. Last evaluated: 2024-10-08. Review status: criteria provided, single submitter. Criteria: Myriad Autosomal Dominant, Autosomal Recessive and X-Linked Classification Criteria (2023). Collection method: clinical testing. Allele origin: unknown.
Comment: This variant is considered likely benign. This variant is intronic and is not expected to impact mRNA splicing.

Labcorp Genetics (formerly Invitae), Labcorp
Classification: Likely benign for Familial cancer of breast. Last evaluated: 2024-03-06. Review status: criteria provided, single submitter. Criteria: Invitae Variant Classification Sherloc (09022015). Collection method: clinical testing. Allele origin: germline.

NM_007194.4(CHEK2):c.1376-15C>T

Gene: CHEK2 (checkpoint kinase 2; minus strand). Cytogenetic location: 22q12.1.
Variant type: single nucleotide variant.
Coding change: c.1376-15C>T on transcript NM_007194.4 (MANE Select); 15 bases into the intron before coding-DNA position 1376, C replaced by T.
Molecular consequence: intron variant.
Genome position (GRCh38, 1-based): chr22:28,694,132, G>A on the plus strand (C>T on the coding strand, the complement: CHEK2 is on the minus strand). VCF-style: chr22-28694132-G-A. GRCh37 (hg19) VCF-style: chr22-29090120-G-A.
Other names: c.713-15C>T (NM_001437942.1, NM_001257387.3); c.1175-15C>T (NM_001349956.3); c.1289-15C>T (NM_145862.3); c.1382-15C>T (NM_001438295.1); c.1469-15C>T (NM_001438293.1); c.1418-15C>T (NM_001438294.1); c.1505-15C>T (NM_001005735.3).
Identifiers: ClinVar variation 3644689 (VCV003644689.3).